The following is an entry in ClinVar:

ClinVar aggregate classification (germline): Conflicting classifications of pathogenicity. Review status: criteria provided, conflicting classifications (1 of 4 stars). 5 submissions from 5 submitters: Pathogenic (1); Likely pathogenic (1); Uncertain significance (3). Last evaluated 2024-10-25.

Conditions:
Hereditary spastic paraplegia 7 (SPG7). Also called: Spastic paraplegia 7; Hereditary spastic paraplegia Paraplegin type; SPG7-related neurologic disorder; Autosomal recessive spastic paraplegia type 7; SPASTIC PARAPLEGIA 7, AUTOSOMAL RECESSIVE, WITH OR WITHOUT CEREBELLAR ATAXIA. Identifiers: Orphanet 99013, MedGen C1846564, MONDO:0011803, OMIM 607259.

Submissions (5):

Women's Health and Genetics/Laboratory Corporation of America, LabCorp
Classification: Uncertain significance. Last evaluated: 2024-10-25. Review status: criteria provided, single submitter. Criteria: LabCorp Variant Classification Summary - May 2015. Collection method: clinical testing. Allele origin: germline.
Comment: Variant summary: SPG7 c.1231G>A (p.Asp411Asn) results in a conservative amino acid change located in the AAA+ ATPase domain (IPR003593) of the encoded protein sequence. Four of five in-silico tools predict a damaging effect of the variant on protein function. The variant was absent in 250558 control chromosomes. The available data on variant occurrences in the general population are insufficient to allow any conclusion about variant significance. c.1231G>A has been reported in the literature in at least one compound heterozygous individual affected with clinical features of Hereditary Spastic Paraplegia or as a de novo mutation in an unspecified developmental disorder (e.g. Martinuzzi_2016, Galatolo_2021, Kaplanis_2021). These data do not allow any conclusion about variant significance. To our knowledge, no experimental evidence demonstrating an impact on protein function has been reported. The following publications have been ascertained in the context of this evaluation (PMID: 34445196, 33057194, 27077743). ClinVar contains an entry for this variant (Variation ID: 427079). Based on the evidence outlined above, the variant was classified as uncertain significance.

Labcorp Genetics (formerly Invitae), Labcorp
Classification: Uncertain significance for Hereditary spastic paraplegia 7. Last evaluated: 2022-08-09. Review status: criteria provided, single submitter. Criteria: Invitae Variant Classification Sherloc (09022015). Collection method: clinical testing. Allele origin: germline.
Comment: Advanced modeling of protein sequence and biophysical properties (such as structural, functional, and spatial information, amino acid conservation, physicochemical variation, residue mobility, and thermodynamic stability) performed at Invitae indicates that this missense variant is expected to disrupt SPG7 protein function. ClinVar contains an entry for this variant (Variation ID: 427079). This variant is also known as D412N. This missense change has been observed in individual(s) with clinical features of hereditary spastic paraplegia (PMID: 27077743). This variant is not present in population databases (gnomAD no frequency). This sequence change replaces aspartic acid, which is acidic and polar, with asparagine, which is neutral and polar, at codon 411 of the SPG7 protein (p.Asp411Asn). In summary, the available evidence is currently insufficient to determine the role of this variant in disease. Therefore, it has been classified as a Variant of Uncertain Significance.

PROSPAX: an integrated multimodal progression  chart in spastic ataxias, Center for Neurology; Hertie-Institute for Clinical Brain Research
Classification: Likely pathogenic for Hereditary spastic paraplegia 7. Last evaluated: 2022-01-01. Review status: criteria provided, single submitter. Criteria: ACMG Guidelines, 2015. Collection method: research. Allele origin: germline. Affected: yes. Observed: 1 variant allele, 1 compound heterozygote.

Molecular Medicine for Neurodegenerative and Neuromuscular Diseases Unit, IRCCS Fondazione Stella Maris
Classification: Pathogenic for Hereditary spastic paraplegia 7. Last evaluated: 2021-01-04. Review status: criteria provided, single submitter. Criteria: ACMG Guidelines, 2015. Collection method: research. Allele origin: unknown. Affected: yes.

GeneDx
Classification: Uncertain significance. Last evaluated: 2020-01-30. Review status: criteria provided, single submitter. Criteria: GeneDx Variant Classification Process June 2021. Collection method: clinical testing. Allele origin: germline. Affected: yes.
Comment: In silico analysis supports that this missense variant has a deleterious effect on protein structure/function; Not observed at a significant frequency in large population cohorts (Lek et al., 2016); This variant is associated with the following publications: (PMID: 27077743)

Literature cited by the submitters: PubMed 34445196 (cited by Women's Health and Genetics/Laboratory Corporation of America, LabCorp); PubMed 33057194 (cited by Women's Health and Genetics/Laboratory Corporation of America, LabCorp); PubMed 27077743 (cited by Women's Health and Genetics/Laboratory Corporation of America, LabCorp and Labcorp Genetics (formerly Invitae), Labcorp).

NM_003119.4(SPG7):c.1231G>A (p.Asp411Asn)

Gene: SPG7 (SPG7 matrix AAA peptidase subunit, paraplegin; plus strand). Cytogenetic location: 16q24.3.
Variant type: single nucleotide variant.
Coding change: c.1231G>A on transcript NM_003119.4 (MANE Select); coding-DNA position 1231, G replaced by A.
Protein change: p.Asp411Asn; replaces aspartic acid 411 with asparagine.
Molecular consequence: missense variant.
Genome position (GRCh38, 1-based): chr16:89,532,543, G>A. VCF-style: chr16-89532543-G-A. GRCh37 (hg19) VCF-style: chr16-89598951-G-A.
Other names: c.1231G>A, p.Asp411Asn (NM_001363850.1, NM_199367.3); short protein forms D411N.
Identifiers: ClinVar variation 427079 (VCV000427079.15), dbSNP rs745444834, ClinGen allele CA397420893.